The following is an entry in ClinVar:

NM_018451.5(CPAP):c.410del (p.Ala137fs)

Gene: CPAP (centrosome assembly and centriole elongation protein; minus strand). Cytogenetic location: 13q12.13.
Variant type: Deletion.
Coding change: c.410del on transcript NM_018451.5 (MANE Select); coding-DNA position 410, one base deleted (C; older notation c.410delC).
Protein change: p.Ala137fs; shifts the reading frame from alanine 137.
Molecular consequence: frameshift variant. On other transcripts: non-coding transcript variant (2).
Genome position (GRCh38, 1-based): chr13:24,912,616, G deleted on the plus strand (C on the coding strand, the reverse complement: CPAP is on the minus strand). VCF-style (leftmost placement, unchanged base first): chr13-24912615-AG-A. GRCh37 (hg19) VCF-style: chr13-25486753-AG-A.
Other names: short protein forms A137fs.
Identifiers: ClinVar variation 5005237 (VCV005005237.2).

ClinVar aggregate classification (germline): Likely pathogenic (1 of 4 stars; one submission).

Conditions:
Seckel syndrome 4 (SCKL4). Identifiers: Orphanet 808, MedGen C3888212, MONDO:0013358, OMIM 613676.
Microcephaly 6, primary, autosomal recessive. Identifiers: Orphanet 2512, MedGen C1842109, MONDO:0012029, OMIM 608393.

Submission:

Juno Genomics, Hangzhou Juno Genomics, Inc
Classification: Likely pathogenic for Seckel syndrome 4; Microcephaly 6, primary, autosomal recessive. Review status: criteria provided, single submitter. Criteria: ACMG Guidelines, 2015. Collection method: clinical testing. Allele origin: germline.
Comment: Null variant in a gene where loss of function (LOF) is a known mechanism of disease.;Absent from controls (or at extremely low frequency if recessive) in Genome Aggregation Database.